The following is an entry in ClinVar:

ClinVar aggregate classification (germline): Uncertain significance. Review status: criteria provided, multiple submitters, no conflicts (2 of 4 stars). 2 submissions from 2 submitters: Uncertain significance (2). Last evaluated 2024-10-15.

Allele frequency attached by ClinVar (database versions not stated): gnomAD exomes 0.00001; TOPMed 0.00001; ExAC 0.00003; gnomAD 0.00001; ESP Exome Variant Server 0.00008.
gnomAD v4.1: 14 of 1,611,256 alleles (0.00087%); highest among the groups gnomAD compares: Middle Eastern, 0.017%; no homozygotes.

Submissions (2):

GeneDx
Classification: Uncertain significance. Last evaluated: 2024-10-15. Review status: criteria provided, single submitter. Criteria: GeneDx Variant Classification Process June 2021. Collection method: clinical testing. Allele origin: germline. Affected: yes.
Comment: Not observed at significant frequency in large population cohorts (gnomAD); In silico analysis supports that this missense variant has a deleterious effect on protein structure/function; Has not been previously published as pathogenic or benign to our knowledge

Labcorp Genetics (formerly Invitae), Labcorp
Classification: Uncertain significance. Last evaluated: 2024-07-04. Review status: criteria provided, single submitter. Criteria: Invitae Variant Classification Sherloc (09022015). Collection method: clinical testing. Allele origin: germline.
Comment: This sequence change replaces proline, which is neutral and non-polar, with leucine, which is neutral and non-polar, at codon 79 of the COL9A3 protein (p.Pro79Leu). This variant is present in population databases (rs368252527, gnomAD 0.003%). This variant has not been reported in the literature in individuals affected with COL9A3-related conditions. ClinVar contains an entry for this variant (Variation ID: 1472296). Advanced modeling of protein sequence and biophysical properties (such as structural, functional, and spatial information, amino acid conservation, physicochemical variation, residue mobility, and thermodynamic stability) performed at Invitae indicates that this missense variant is not expected to disrupt COL9A3 protein function with a negative predictive value of 95%. In summary, the available evidence is currently insufficient to determine the role of this variant in disease. Therefore, it has been classified as a Variant of Uncertain Significance.

NM_001853.4(COL9A3):c.236C>T (p.Pro79Leu)

Gene: COL9A3 (collagen type IX alpha 3 chain; plus strand). Cytogenetic location: 20q13.33.
Variant type: single nucleotide variant.
Coding change: c.236C>T on transcript NM_001853.4 (MANE Select); coding-DNA position 236, C replaced by T.
Protein change: p.Pro79Leu; replaces proline 79 with leucine.
Molecular consequence: missense variant.
Genome position (GRCh38, 1-based): chr20:62,819,274, C>T. VCF-style: chr20-62819274-C-T. GRCh37 (hg19) VCF-style: chr20-61450626-C-T.
Other names: c.236C>T (NM_001853.3); short protein forms P79L.
Identifiers: ClinVar variation 1472296 (VCV001472296.8), dbSNP rs368252527, ClinGen allele CA9949077.